The following is an entry in ClinVar:

ClinVar aggregate classification (germline): Likely benign. Review status: criteria provided, multiple submitters, no conflicts (2 of 4 stars). 2 submissions from 2 submitters: Likely benign (2). Last evaluated 2025-10-01.

Allele frequency attached by ClinVar (database versions not stated): gnomAD exomes 0.00006 and 0.00019; ExAC 0.00023; gnomAD 0.00026; TOPMed 0.00054; 1000 Genomes Project 0.00120; 1000 Genomes Project 30x 0.00141.

Submissions (2):

CeGaT Center for Human Genetics Tuebingen
Classification: Likely benign. Last evaluated: 2025-10-01. Review status: criteria provided, single submitter. Criteria: CeGaT Center For Human Genetics Tuebingen Variant Classification Criteria Version 2. Collection method: clinical testing. Allele origin: germline. Affected: yes. Observed: 1 variant allele.
Comment: INTS1: BP4, BP7

Labcorp Genetics (formerly Invitae), Labcorp
Classification: Likely benign. Last evaluated: 2019-12-31. Review status: criteria provided, single submitter. Criteria: Invitae Variant Classification Sherloc (09022015). Collection method: clinical testing. Allele origin: germline.

NM_001080453.3(INTS1):c.117G>A (p.Ser39=)

Gene: INTS1 (integrator complex subunit 1; minus strand). Cytogenetic location: 7p22.3.
Variant type: single nucleotide variant.
Coding change: c.117G>A on transcript NM_001080453.3 (MANE Select); coding-DNA position 117, G replaced by A.
Protein change: p.Ser39=; no amino-acid change (serine 39 retained).
Molecular consequence: synonymous variant.
Genome position (GRCh38, 1-based): chr7:1,503,133, C>T on the plus strand (G>A on the coding strand, the complement: INTS1 is on the minus strand). VCF-style: chr7-1503133-C-T. GRCh37 (hg19) VCF-style: chr7-1542769-C-T.
Identifiers: ClinVar variation 741243 (VCV000741243.10), dbSNP rs183597958, ClinGen allele CA4120913.